The following is an entry in ClinVar:

NM_002769.5(PRSS1):c.740G>T (p.Ser247Ile)

Genes: TRB (T cell receptor beta locus; plus strand), PRSS1 (serine protease 1; plus strand). Cytogenetic location: 7q34.
Variant type: single nucleotide variant.
Coding change: c.740G>T on transcript NM_002769.5 (MANE Select); coding-DNA position 740, G replaced by T.
Protein change: p.Ser247Ile; replaces serine 247 with isoleucine.
Molecular consequence: missense variant. On other transcripts: non-coding transcript variant (5).
Genome position (GRCh38, 1-based): chr7:142,753,016, G>T. VCF-style: chr7-142753016-G-T. GRCh37 (hg19) VCF-style: chr7-142460867-G-T.
Other names: short protein forms S247I.
Identifiers: ClinVar variation 1758783 (VCV001758783.2), dbSNP rs1479014593, ClinGen allele CA369611152.
Genomic context (GRCh38, chr7:142,753,016, plus strand): 5'-GAGTCTACACCAAGGTCTACAACTATGTGAAATGGATTAAGAACACCATAGCTGCCAATA[G>T]CTAAAGCCCCCAGTATCTCTTCAGTCTCTATACCAATAAAGTGACCCTGTTCTCACTGTC-3'
Protein context (NP_002760.1, residues 237-247): KWIKNTIAAN[Ser247Ile]

ClinVar aggregate classification (germline): Uncertain significance (1 of 4 stars; one submission).

Conditions:
Hereditary pancreatitis (PCTT). Also called: Hereditary chronic pancreatitis; PRSS1-Related Hereditary Pancreatitis. Identifiers: Orphanet 676, MedGen C0238339, MONDO:0008185, OMIM 167800.

gnomAD v4.1: 1 of 1,613,430 alleles (0.000062%); highest among the groups gnomAD compares: East Asian, 0.0022%; no homozygotes.

Submission:

Ambry Genetics
Classification: Uncertain significance for Hereditary pancreatitis. Last evaluated: 2022-09-19. Review status: criteria provided, single submitter. Criteria: Ambry Variant Classification Scheme 2023. Collection method: clinical testing. Allele origin: germline.
Comment: The p.S247I variant (also known as c.740G>T), located in coding exon 5 of the PRSS1 gene, results from a G to T substitution at nucleotide position 740. The serine at codon 247 is replaced by isoleucine, an amino acid with dissimilar properties. This amino acid position is conserved. In addition, the in silico prediction for this alteration is inconclusive. Since supporting evidence is limited at this time, the clinical significance of this alteration remains unclear.